The following is an entry in ClinVar:

NM_201384.3(PLEC):c.2068C>T (p.Arg690Trp)

Gene: PLEC (plectin; minus strand). Cytogenetic location: 8q24.3.
Variant type: single nucleotide variant.
Coding change: c.2068C>T on transcript NM_201384.3 (MANE Select); coding-DNA position 2068, C replaced by T.
Protein change: p.Arg690Trp; replaces arginine 690 with tryptophan.
Molecular consequence: missense variant.
Genome position (GRCh38, 1-based): chr8:143,932,144, G>A on the plus strand (C>T on the coding strand, the complement: PLEC is on the minus strand). VCF-style: chr8-143932144-G-A. GRCh37 (hg19) VCF-style: chr8-145006312-G-A.
Other names: c.2149C>T, p.Arg717Trp (NM_000445.5, NM_001410941.1); c.2026C>T, p.Arg676Trp (NM_201378.4); c.2002C>T, p.Arg668Trp (NM_201379.3); c.2479C>T, p.Arg827Trp (NM_201380.4); c.1972C>T, p.Arg658Trp (NM_201381.3); c.2068C>T, p.Arg690Trp (NM_201382.4); c.2080C>T, p.Arg694Trp (NM_201383.3); short protein forms R658W, R668W, R676W, R690W, R694W, R717W, R827W.
Identifiers: ClinVar variation 3750838 (VCV003750838.4).

ClinVar aggregate classification (germline): Uncertain significance. Review status: criteria provided, multiple submitters, no conflicts (2 of 4 stars). 3 submissions from 3 submitters: Uncertain significance (3). Last evaluated 2025-01-29.

Conditions:
Epidermolysis bullosa simplex 5B, with muscular dystrophy (EBS5B). Also called: Epidermolysis bullosa simplex with muscular dystrophy; EPIDERMOLYSIS BULLOSA SIMPLEX AND LIMB-GIRDLE MUSCULAR DYSTROPHY. Identifiers: Orphanet 257, MedGen C2931072, MONDO:0009181, OMIM 226670.
Epidermolysis bullosa simplex with nail dystrophy (EBS5D). Identifiers: MedGen C4225309, MONDO:0014661, OMIM 616487.
Epidermolysis bullosa simplex, Ogna type (EBS5A). Also called: Pidermolysis bullosa simplex 5A, Ogna type; EPIDERMOLYSIS BULLOSA SIMPLEX 5A, OGNA TYPE. Identifiers: Orphanet 79401, MedGen C0432317, MONDO:0007555, OMIM 131950.
Epidermolysis bullosa simplex 5C, with pyloric atresia (EBS5C). Also called: PLEC1-Related Epidermolysis Bullosa with Pyloric Atresia; PLEC-Related Epidermolysis Bullosa with Pyloric Atresia; Epidermolysis bullosa simplex with pyloric atresia. Identifiers: Orphanet 158684, MedGen C2677349, MONDO:0012807, OMIM 612138.
Autosomal recessive limb-girdle muscular dystrophy type 2Q (LGMDR17). Also called: MUSCULAR DYSTROPHY, LIMB-GIRDLE, AUTOSOMAL RECESSIVE 17. Identifiers: Orphanet 254361, MedGen C3150989, MONDO:0013390, OMIM 613723.

gnomAD v4.1: 20 of 1,610,704 alleles (0.0012%); highest among the groups gnomAD compares: African/African-American, 0.008%; no homozygotes.

Submissions (3):

Labcorp Genetics (formerly Invitae), Labcorp
Classification: Uncertain significance for Autosomal recessive limb-girdle muscular dystrophy type 2Q; Epidermolysis bullosa simplex, Ogna type; Epidermolysis bullosa simplex with nail dystrophy; Epidermolysis bullosa simplex 5C, with pyloric atresia; Epidermolysis bullosa simplex 5B, with muscular dystrophy. Last evaluated: 2025-01-29. Review status: criteria provided, single submitter. Criteria: Invitae Variant Classification Sherloc (09022015). Collection method: clinical testing. Allele origin: germline.
Comment: This sequence change replaces arginine, which is basic and polar, with tryptophan, which is neutral and slightly polar, at codon 717 of the PLEC protein (p.Arg717Trp). This variant is present in population databases (rs782788386, gnomAD 0.02%). This variant has not been reported in the literature in individuals affected with PLEC-related conditions. Invitae Evidence Modeling of protein sequence and biophysical properties (such as structural, functional, and spatial information, amino acid conservation, physicochemical variation, residue mobility, and thermodynamic stability) indicates that this missense variant is not expected to disrupt PLEC protein function with a negative predictive value of 80%. In summary, the available evidence is currently insufficient to determine the role of this variant in disease. Therefore, it has been classified as a Variant of Uncertain Significance.

Revvity Omics, Revvity
Classification: Uncertain significance. Last evaluated: 2024-03-13. Review status: criteria provided, single submitter. Criteria: ACMG Guidelines, 2015. Collection method: clinical testing. Allele origin: germline.

Blueprint Genetics
Classification: Uncertain significance. Last evaluated: 2023-04-27. Review status: criteria provided, single submitter. Criteria: ACMG Guidelines, 2015. Collection method: clinical testing. Allele origin: germline.